The following is an entry in ClinVar:

NM_001145358.2(SIN3A):c.3591+3G>A

Gene: SIN3A (SIN3 transcription regulator family member A; minus strand). Cytogenetic location: 15q24.2.
Variant type: single nucleotide variant.
Coding change: c.3591+3G>A on transcript NM_001145358.2 (MANE Select); 3 bases into the intron after coding-DNA position 3591, G replaced by A.
Molecular consequence: intron variant.
Genome position (GRCh38, 1-based): chr15:75,375,662, C>T on the plus strand (G>A on the coding strand, the complement: SIN3A is on the minus strand). VCF-style: chr15-75375662-C-T. GRCh37 (hg19) VCF-style: chr15-75668003-C-T.
Other names: c.3591+3G>A (NM_001145357.2, NM_015477.3).
Identifiers: ClinVar variation 3011284 (VCV003011284.3), dbSNP rs1595885580, ClinGen allele CA2188112967.

ClinVar aggregate classification (germline): Uncertain significance (1 of 4 stars; one submission).

Submission:

Labcorp Genetics (formerly Invitae), Labcorp
Classification: Uncertain significance. Last evaluated: 2023-11-16. Review status: criteria provided, single submitter. Criteria: Invitae Variant Classification Sherloc (09022015). Collection method: clinical testing. Allele origin: germline.
Comment: This sequence change falls in intron 20 of the SIN3A gene. It does not directly change the encoded amino acid sequence of the SIN3A protein. It affects a nucleotide within the consensus splice site. This variant is not present in population databases (gnomAD no frequency). This variant has not been reported in the literature in individuals affected with SIN3A-related conditions. Variants that disrupt the consensus splice site are a relatively common cause of aberrant splicing (PMID: 17576681, 9536098). Algorithms developed to predict the effect of sequence changes on RNA splicing suggest that this variant is not likely to affect RNA splicing. In summary, the available evidence is currently insufficient to determine the role of this variant in disease. Therefore, it has been classified as a Variant of Uncertain Significance.

Literature cited by the submitters: PubMed 17576681; PubMed 9536098.